The following is an entry in ClinVar:

NM_000673.7(ADH7):c.120+7G>A

Gene: ADH7 (alcohol dehydrogenase 7 (class IV), mu or sigma polypeptide; minus strand). Cytogenetic location: 4q23.
Variant type: single nucleotide variant.
Coding change: c.120+7G>A on transcript NM_000673.7 (MANE Select); 7 bases into the intron after coding-DNA position 120, G replaced by A.
Molecular consequence: intron variant.
Genome position (GRCh38, 1-based): chr4:99,429,525, C>T on the plus strand (G>A on the coding strand, the complement: ADH7 is on the minus strand). VCF-style: chr4-99429525-C-T. GRCh37 (hg19) VCF-style: chr4-100350682-C-T.
Other names: c.180+7G>A (NM_001166504.2).
Identifiers: ClinVar variation 3036406 (VCV003036406.2), dbSNP rs774683127, ClinGen allele CA3020942.

ClinVar aggregate classification (germline): Likely benign (0 of 4 stars; one submission).

Conditions:
ADH7-related disorder. Also called: ADH7-related condition.

Allele frequency attached by ClinVar (database versions not stated): gnomAD exomes 0.00002; gnomAD 0.00003; TOPMed 0.00003; ExAC 0.00004.
gnomAD v4.1: 37 of 1,604,588 alleles (0.0023%); highest among the groups gnomAD compares: East Asian, 0.025%; no homozygotes.

Submission:

PreventionGenetics, part of Exact Sciences
Classification: Likely benign for ADH7-related condition. Last evaluated: 2023-04-26. Review status: no assertion criteria provided. Collection method: clinical testing. Allele origin: germline.
Comment: This variant is classified as likely benign based on ACMG/AMP sequence variant interpretation guidelines (Richards et al. 2015 PMID: 25741868, with internal and published modifications).